The following is an entry in ClinVar:

NM_001458.5(FLNC):c.4141G>A (p.Gly1381Arg)

Gene: FLNC (filamin C; plus strand). Cytogenetic location: 7q32.1.
Variant type: single nucleotide variant.
Coding change: c.4141G>A on transcript NM_001458.5 (MANE Select); coding-DNA position 4141, G replaced by A.
Protein change: p.Gly1381Arg; replaces glycine 1381 with arginine.
Molecular consequence: missense variant.
Genome position (GRCh38, 1-based): chr7:128,846,758, G>A. VCF-style: chr7-128846758-G-A. GRCh37 (hg19) VCF-style: chr7-128486812-G-A.
Other names: c.4141G>A, p.Gly1381Arg (NM_001127487.2); short protein forms G1381R.
Identifiers: ClinVar variation 571938 (VCV000571938.12), dbSNP rs766513255, ClinGen allele CA4475260.

ClinVar aggregate classification (germline): Uncertain significance. Review status: criteria provided, multiple submitters, no conflicts (2 of 4 stars). 2 submissions from 2 submitters: Uncertain significance (2). Last evaluated 2025-10-27.

Conditions:
Distal myopathy with posterior leg and anterior hand involvement. Also called: WILLIAMS DISTAL MYOPATHY. Identifiers: Orphanet 63273, MedGen C3279722, MONDO:0013550, OMIM 614065.
Myofibrillar myopathy 5. Also called: Filaminopathy (type); FILAMINOPATHY, AUTOSOMAL DOMINANT. Identifiers: Orphanet 171445, MedGen C1836050, MONDO:0012289, OMIM 609524.
Hypertrophic cardiomyopathy 26. Also called: Cardiomyopathy, familial hypertrophic, 26. Identifiers: Orphanet 75249, MedGen C4310749, MONDO:0014883, OMIM 617047.
Cardiovascular phenotype. Identifiers: MedGen CN230736.

Allele frequency attached by ClinVar (database versions not stated): TOPMed below 0.00001; ExAC 0.00001; gnomAD 0.00001.
gnomAD v4.1: 7 of 1,613,492 alleles (0.00043%); highest among the groups gnomAD compares: Admixed American, 0.0017%; no homozygotes.

Submissions (2):

Labcorp Genetics (formerly Invitae), Labcorp
Classification: Uncertain significance for Distal myopathy with posterior leg and anterior hand involvement; Myofibrillar myopathy 5; Hypertrophic cardiomyopathy 26. Last evaluated: 2025-10-27. Review status: criteria provided, single submitter. Criteria: Invitae Variant Classification Sherloc (09022015). Collection method: clinical testing. Allele origin: germline.
Comment: This sequence change replaces glycine, which is neutral and non-polar, with arginine, which is basic and polar, at codon 1381 of the FLNC protein (p.Gly1381Arg). This variant is present in population databases (rs766513255, gnomAD 0.002%). This variant has not been reported in the literature in individuals affected with FLNC-related conditions. ClinVar contains an entry for this variant (Variation ID: 571938). Invitae Evidence Modeling of protein sequence and biophysical properties (such as structural, functional, and spatial information, amino acid conservation, physicochemical variation, residue mobility, and thermodynamic stability) has been performed for this missense variant. However, the output from this modeling did not meet the statistical confidence thresholds required to predict the impact of this variant on FLNC protein function. In summary, the available evidence is currently insufficient to determine the role of this variant in disease. Therefore, it has been classified as a Variant of Uncertain Significance.

Ambry Genetics
Classification: Uncertain significance for Cardiovascular phenotype. Last evaluated: 2024-11-12. Review status: criteria provided, single submitter. Criteria: Ambry Variant Classification Scheme 2023. Collection method: clinical testing. Allele origin: germline.